The following is an entry in ClinVar:

NM_000038.6(APC):c.1495C>T (p.Arg499Ter)

Gene: APC (APC regulator of Wnt signaling pathway; plus strand). Cytogenetic location: 5q22.2.
Variant type: single nucleotide variant.
Coding change: c.1495C>T on transcript NM_000038.6 (MANE Select); coding-DNA position 1495, C replaced by T.
Protein change: p.Arg499Ter; replaces arginine 499 with a stop codon.
Molecular consequence: nonsense.
Genome position (GRCh38, 1-based): chr5:112,827,194, C>T. VCF-style: chr5-112827194-C-T. GRCh37 (hg19) VCF-style: chr5-112162891-C-T.
Other names: c.1495C>T, p.Arg499Ter (NM_001127510.3, NM_001354895.2); c.1441C>T, p.Arg481Ter (NM_001127511.3); c.1549C>T, p.Arg517Ter (NM_001354896.2); c.1525C>T, p.Arg509Ter (NM_001354897.2); c.1420C>T, p.Arg474Ter (NM_001354898.2); c.1411C>T, p.Arg471Ter (NM_001354899.2); c.1372C>T, p.Arg458Ter (NM_001354900.2); c.1318C>T, p.Arg440Ter (NM_001354901.2); and 5 more; short protein forms R499*, R481*, R373*, R339*, R408*, R474*, R216*, R471*.
Identifiers: ClinVar variation 824 (VCV000000824.42), dbSNP rs137854580, ClinGen allele CA005230.
Genomic context (GRCh38, chr5:112,827,194, plus strand): 5'-TTGCAAGTGGACTGTGAAATGTATGGGCTTACTAATGACCACTACAGTATTACACTAAGA[C>T]GATATGCTGGAATGGCTTTGACAAACTTGACTTTTGGAGATGTAGCCAACAAGGTATGTT-3'

ClinVar aggregate classification (germline): Pathogenic. Review status: criteria provided, multiple submitters, no conflicts (2 of 4 stars). 16 submissions from 16 submitters: Pathogenic (12). 4 of the submissions do not count toward it. Last evaluated 2026-01-07.
ClinVar aggregate classification (oncogenicity): Likely oncogenic (1 of 4 stars; one submission).

Conditions:
APC-Associated Polyposis Disorders.
Hereditary cancer-predisposing syndrome. Also called: Hereditary Cancer Syndrome; Hereditary neoplastic syndrome; Tumor predisposition; Neoplastic Syndromes, Hereditary. Identifiers: Orphanet 140162, MedGen C0027672, MeSH D009386, MONDO:0015356.
Familial multiple polyposis syndrome (FAP). Also called: Familial polyposis; Classic familial adenomatous polyposis; Familial adenomatous polyposis; Familial intestinal polyposis; Familial Adenomatous Polyposis (FAP). Identifiers: Orphanet 733, MedGen C0032580, MONDO:0021055. Disease mechanism: loss of function.
Familial adenomatous polyposis 1 (FAP1). Also called: FAMILIAL ADENOMATOUS POLYPOSIS 1, ATTENUATED; POLYPOSIS, ADENOMATOUS INTESTINAL. Identifiers: MedGen C2713442, MONDO:0021056, OMIM 175100. Disease mechanism: loss of function.
Carcinoma of colon (CRC). Also called: Colonic carcinoma; Colon carcinoma. Identifiers: MedGen C0699790, MONDO:0002032.
Gardner syndrome (GS). Also called: Gardner's syndrome; Polyposis coli and multiple hard and soft tissue tumors; Intestinal polyposis, osteomas, sebaceous cysts. Identifiers: MedGen C0017097, MONDO:0019336. Disease mechanism: loss of function.
Neoplasm. Also called: Neoplasms; Neoplasm (disease); tumor. Identifiers: MedGen C0027651, MeSH D009369, MONDO:0005070, HP:0002664.

Submissions 1 to 9 of 17:

Labcorp Genetics (formerly Invitae), Labcorp
Classification: Pathogenic for Familial adenomatous polyposis 1. Last evaluated: 2026-01-07. Review status: criteria provided, single submitter. Criteria: Invitae Variant Classification Sherloc (09022015). Collection method: clinical testing. Allele origin: germline.
Comment: This sequence change creates a premature translational stop signal (p.Arg499*) in the APC gene. It is expected to result in an absent or disrupted protein product. Loss-of-function variants in APC are known to be pathogenic (PMID: 17963004, 20685668). This variant is not present in population databases (gnomAD no frequency). This premature translational stop signal has been observed in individual(s) with familial adenomatous polyposis (PMID: 8381580, 9487968, 20223039, 20685668, 21779980). It has also been observed to segregate with disease in related individuals. ClinVar contains an entry for this variant (Variation ID: 824). For these reasons, this variant has been classified as Pathogenic.

Center for Genomic Medicine, Rigshospitalet, Copenhagen University Hospital
Classification: Likely oncogenic for Neoplasm. Last evaluated: 2025-12-29. Review status: criteria provided, single submitter. Criteria: ClinGen/CGC/VICC Guidelines for Oncogenicity, 2022. Collection method: clinical testing. Allele origin: somatic. Affected: yes.

Dasa
Classification: Pathogenic. Last evaluated: 2025-12-19. Review status: criteria provided, single submitter. Criteria: DASA Assertion Criteria. Collection method: clinical testing. Allele origin: germline.
Comment: NM_000038.6(APC):c.1495C>T (p.Arg499*) introduces a premature stop codon predicted to result in truncation of the encoded protein. Loss-of-function is an established mechanism of disease for this gene. The variant has been recurrently observed in individuals with familial adenomatous polyposis and related colorectal phenotypes (PMIDs: 20649969, 20223039). Based on the available data, this variant is classified as pathogenic.

Ambry Genetics
Classification: Pathogenic for Hereditary cancer-predisposing syndrome. Last evaluated: 2025-06-09. Review status: criteria provided, single submitter. Criteria: Ambry Variant Classification Scheme 2023. Collection method: clinical testing. Allele origin: germline.
Comment: The p.R499* pathogenic mutation (also known as c.1495C>T), located in coding exon 11 of the APC gene, results from a C to T substitution at nucleotide position 1495. This changes the amino acid from an arginine to a stop codon within coding exon 11. This mutation has been described in many patients and families with familial adenomatous polyposis (FAP) (Olschwang S et al. Am. J. Hum. Genet. 1993 Feb;52:273-9; Friedl W et al. Hered Cancer Clin Pract 2005 Sep;3:95-114; Kanter-Smoler G et al. BMC Med 2008 Apr;6:10; Fostira F et al. BMC Cancer 2010 Jul;10:389; Lagarde A et al. J. Med. Genet. 2010 Oct;47(10):721-2; Tsukanov AS et al. Russ J Genet. 2017 53(3):369-375). In one study of 136 Spanish classic FAP families, there appeared to be an association with desmoid tumors in patients who carried mutations in codon 499 (Rivera B et al. Ann. Oncol. 2011 Apr;22:903-9). This variant is considered to be rare based on population cohorts in the Genome Aggregation Database (gnomAD). In addition to the clinical data presented in the literature, this alteration is expected to result in loss of function by premature protein truncation or nonsense-mediated mRNA decay. As such, this alteration is interpreted as a disease-causing mutation.

Molecular Diagnostics Laboratory, Catalan Institute of Oncology
Classification: Pathogenic for Hereditary cancer-predisposing syndrome. Last evaluated: 2025-02-10. Review status: criteria provided, single submitter. Criteria: ClinGen ACMG Specifications APC V1.0.0. Collection method: clinical testing. Allele origin: germline.
Comment: PVS1, PS4, PM2_Supporting, PP1 c.1495C>T, located in exon 12 of the APC gene, is a nonsense variant, p.(Arg499*), located between codon 49 and 2645 (PVS1). It is not present in the population database gnomAD v2.1.1, non cancer dataset (PM2_supporting). The SpliceAI algorithm predicts no significant impact on splicing. To our knowledge, no functional studies have been reported for this variant. This variant has been reported in multiple individuals with familial adenomatous polyposis from different families (internal data and PMIDs: 9487968, 20649969, 20223039, 8381580, 18433509, 20685668, among others) (PS4). It has been shown that this variant segregates with familial adenomatous polyposis (PMID: 9487968) (PP1). This variant has been reported in ClinVar (13x pathogenic) and LOVD (33x pathogenic) databases. Based on currently available information, the variant c.1495C>T should be considered a pathogenic variant.

GeneDx
Classification: Pathogenic. Last evaluated: 2025-01-28. Review status: criteria provided, single submitter. Criteria: GeneDx Variant Classification Process June 2021. Collection method: clinical testing. Allele origin: germline. Affected: yes.
Comment: Nonsense variant predicted to result in protein truncation or nonsense mediated decay in a gene for which loss of function is a known mechanism of disease; Not observed at significant frequency in large population cohorts (gnomAD); This variant is associated with the following publications: (PMID: 12486240, 26650777, 31543384, 25525159, 20649969, 20223039, 23263490, 8381580, 12173026, 26613750, 27705013, 26917275, 26837502, 28135145, 28944238, 31118792, 35979026, 35296888, 33094510, 23159591, 21779980, 20924072, 20685668, 17963004, 12007223, 37542411, 36084716, 35014770, 9487968, 18433509)

Color Diagnostics, LLC DBA Color Health
Classification: Pathogenic for Hereditary cancer-predisposing syndrome. Last evaluated: 2024-07-17. Review status: criteria provided, single submitter. Criteria: ACMG Guidelines, 2015. Collection method: clinical testing. Allele origin: germline.
Comment: This variant changes 1 nucleotide in exon 12 of the APC gene, creating a premature translation stop signal. This variant is expected to result in an absent or non-functional protein product. This variant has been reported in numerous individuals and families affected with familial adenomatous polyposis (PMID: 8381580, 9487968, 10077047, 12007223, 12010888, 12173026, 12486240, 15024739, 15951963, 18433509, 20223039, 20649969, 20685668, 20924072, 21779980, 23159591, 25590978). It has been shown that this variant segregates with familial adenomatous polyposis (PMID: 9487968). This variant has not been identified in the general population by the Genome Aggregation Database (gnomAD). Loss of APC function is a known mechanism of disease. Based on the available evidence, this variant is classified as Pathogenic.

Quest Diagnostics Nichols Institute San Juan Capistrano
Classification: Pathogenic. Last evaluated: 2024-02-28. Review status: criteria provided, single submitter. Criteria: Quest Diagnostics criteria. Collection method: clinical testing. Allele origin: unknown.
Comment: The APC c.1495C>T (p.Arg499*) variant causes the premature termination of APC protein synthesis. This variant has been reported in the published literature in individuals affected with familial adenomatous polyposis (FAP) or a related polyposis condition (PMIDs: 37542411 (2023), 36084716 (2023), 35979026 (2022), 35296888 (2022), 35014770 (2022), 33094510 (2021)). This variant has not been reported in large, multi-ethnic general populations (Genome Aggregation Database). Based on the available information, this variant is classified as pathogenic.

Women's Health and Genetics/Laboratory Corporation of America, LabCorp
Classification: Pathogenic for Familial multiple polyposis syndrome. Last evaluated: 2023-07-31. Review status: criteria provided, single submitter. Criteria: LabCorp Variant Classification Summary - May 2015. Collection method: clinical testing. Allele origin: germline.
Comment: Variant summary: APC c.1495C>T (p.Arg499X) results in a premature termination codon, predicted to cause a truncation of the encoded protein or absence of the protein due to nonsense mediated decay, which are commonly known mechanisms for disease. The variant was absent in 251260 control chromosomes. c.1495C>T has been reported in the literature in individuals affected with Familial Adenomatous Polyposis (e.g. Mankaney_2022). To our knowledge, no experimental evidence demonstrating an impact on protein function has been reported. The following publication has been ascertained in the context of this evaluation (PMID: 35979026). Eight submitters have cited clinical-significance assessments for this variant to ClinVar after 2014. All submitters classified the variant as pathogenic. Based on the evidence outlined above, the variant was classified as pathogenic.